The following is an entry in ClinVar:

ClinVar aggregate classification (germline): Uncertain significance (1 of 4 stars; one submission).

Conditions:
Coffin-Siris syndrome 7. Identifiers: MedGen C4747954, MONDO:0054831, OMIM 618027.

Submission:

3billion
Classification: Uncertain significance for Coffin-Siris syndrome 7. Last evaluated: 2021-10-25. Review status: criteria provided, single submitter. Criteria: ACMG Guidelines, 2015. Collection method: clinical testing. Allele origin: unknown. Affected: yes. Observed: 1 heterozygote.
Comment: This variant is not observed in the gnomAD v2.1.1 dataset (PM2). In silico tool predictions suggest damaging effect of the variant on gene or gene product (REVEL: 0.838, PP3). Therefore, this variant is classified as uncertain significance according to the recommendation of ACMG/AMP guideline.

NM_006268.5(DPF2):c.1045G>C (p.Asp349His)

Gene: DPF2 (double PHD fingers 2; plus strand). Cytogenetic location: 11q13.1.
Variant type: single nucleotide variant.
Coding change: c.1045G>C on transcript NM_006268.5 (MANE Select); coding-DNA position 1045, G replaced by C.
Protein change: p.Asp349His; replaces aspartic acid 349 with histidine.
Molecular consequence: missense variant.
Genome position (GRCh38, 1-based): chr11:65,348,877, G>C. VCF-style: chr11-65348877-G-C. GRCh37 (hg19) VCF-style: chr11-65116348-G-C.
Other names: c.1087G>C, p.Asp363His (NM_001330308.2); short protein forms D349H, D363H.
Identifiers: ClinVar variation 1321295 (VCV001321295.1), dbSNP rs373186765, ClinGen allele CA381232490.
Genomic context (GRCh38, chr11:65,348,877, plus strand): 5'-AGTCCCCATCCTCTTCCCTCTTGCCTACTTCAGGACCAGTTGCTCTTCTGTGATGACTGC[G>C]ATCGTGGCTACCACATGTACTGTCTCACCCCGTCCATGTCTGAGCCCCCTGAAGGTAAGT-3'
Protein context (NP_006259.1, residues 339-359): DDQLLFCDDC[Asp349His]RGYHMYCLTP